The following is an entry in ClinVar:

ClinVar aggregate classification (germline): Uncertain significance. Review status: criteria provided, multiple submitters, no conflicts (2 of 4 stars). 5 submissions from 5 submitters: Uncertain significance (4). 1 of the submissions does not count toward it. Last evaluated 2024-05-23.

Conditions:
Hermansky-Pudlak syndrome (HPS). Also called: ALBINISM WITH HEMORRHAGIC DIATHESIS AND PIGMENTED RETICULOENDOTHELIAL CELLS. Identifiers: Orphanet 79430, MedGen C0079504, MONDO:0019312.
Inborn genetic diseases. Identifiers: MedGen C0950123, MeSH D030342.
Hermansky-Pudlak syndrome 3 (HPS3). Identifiers: Orphanet 231512, Orphanet 79430, MedGen C3888001, MONDO:0013555, OMIM 614072.

Allele frequency attached by ClinVar (database versions not stated): gnomAD exomes 0.00003 and 0.00009; ExAC 0.00015; 1000 Genomes Project 0.00020; 1000 Genomes Project 30x 0.00031; gnomAD 0.00034 and 0.00039; TOPMed 0.00042.
gnomAD v4.1: 93 of 1,559,896 alleles (0.006%); highest among the groups gnomAD compares: African/African-American, 0.1%; no homozygotes.

Submissions (5):

Ambry Genetics
Classification: Uncertain significance for Inborn genetic diseases. Last evaluated: 2024-05-23. Review status: criteria provided, single submitter. Criteria: Ambry Variant Classification Scheme 2023. Collection method: clinical testing. Allele origin: germline.

Labcorp Genetics (formerly Invitae), Labcorp
Classification: Uncertain significance. Last evaluated: 2022-07-21. Review status: criteria provided, single submitter. Criteria: Invitae Variant Classification Sherloc (09022015). Collection method: clinical testing. Allele origin: germline.
Comment: This sequence change replaces arginine, which is basic and polar, with cysteine, which is neutral and slightly polar, at codon 66 of the HPS3 protein (p.Arg66Cys). This variant is present in population databases (rs529838933, gnomAD 0.1%). This variant has not been reported in the literature in individuals affected with HPS3-related conditions. ClinVar contains an entry for this variant (Variation ID: 343691). Algorithms developed to predict the effect of missense changes on protein structure and function output the following: SIFT: "Tolerated"; PolyPhen-2: "Possibly Damaging"; Align-GVGD: "Class C0". The cysteine amino acid residue is found in multiple mammalian species, which suggests that this missense change does not adversely affect protein function. In summary, the available evidence is currently insufficient to determine the role of this variant in disease. Therefore, it has been classified as a Variant of Uncertain Significance.

Illumina Laboratory Services, Illumina
Classification: Uncertain significance for Hermansky-Pudlak syndrome 3. Last evaluated: 2018-01-12. Review status: criteria provided, single submitter. Criteria: ICSL Variant Classification Criteria 13 December 2019. Collection method: clinical testing. Allele origin: germline.

Breakthrough Genomics
Classification: Uncertain significance. Review status: criteria provided, single submitter. Criteria: ACMG Guidelines, 2015. Collection method: not provided. Allele origin: germline. Inheritance: Autosomal recessive inheritance. Affected: yes.

Natera, Inc.
Classification: Uncertain significance for Hermansky-Pudlak syndrome. Last evaluated: 2019-10-28. Review status: no assertion criteria provided. Collection method: clinical testing. Allele origin: germline. Not counted in ClinVar's aggregate classification.

NM_032383.5(HPS3):c.196C>T (p.Arg66Cys)

Gene: HPS3 (HPS3 biogenesis of lysosomal organelles complex 2 subunit 1; plus strand). Cytogenetic location: 3q24.
Variant type: single nucleotide variant.
Coding change: c.196C>T on transcript NM_032383.5 (MANE Select); coding-DNA position 196, C replaced by T.
Protein change: p.Arg66Cys; replaces arginine 66 with cysteine.
Molecular consequence: missense variant.
Genome position (GRCh38, 1-based): chr3:149,129,919, C>T. VCF-style: chr3-149129919-C-T. GRCh37 (hg19) VCF-style: chr3-148847706-C-T.
Other names: c.196C>T, p.Arg66Cys (NM_001308258.2); short protein forms R66C.
Identifiers: ClinVar variation 343691 (VCV000343691.10), dbSNP rs529838933, ClinGen allele CA2659736.
Genomic context (GRCh38, chr3:149,129,919, plus strand): 5'-GTGGCCGGCCAGGAGCTGTGCCAGCCGCGGTGCGCCTTCTCCACGCTGGGCCGGGTGTTG[C>T]GCCTGGCCTACAGCGAGGCTGGTGAGTAATCTAGAGAGCCAGGGGCCGCCTGGGGTCCAG-3'
Protein context (NP_115759.2, residues 56-76): CAFSTLGRVL[Arg66Cys]LAYSEAGDYL